The following is an entry in ClinVar:

ClinVar aggregate classification (germline): Conflicting classifications of pathogenicity. Review status: criteria provided, conflicting classifications (1 of 4 stars). 4 submissions from 3 submitters: Uncertain significance (2); Benign (1); Likely benign (1). Last evaluated 2024-04-16.

Conditions:
Brugada syndrome 5 (BRGDA5). Identifiers: Orphanet 130, Orphanet 871, MedGen C2748541, MONDO:0013015, OMIM 612838.
Generalized epilepsy with febrile seizures plus, type 1 (GEFSP1). Also called: GEFS+, TYPE 1. Identifiers: Orphanet 36387, MedGen C1858672, MONDO:0011416, OMIM 604233.
Cardiovascular phenotype. Identifiers: MedGen CN230736.

Allele frequency attached by ClinVar (database versions not stated): TOPMed below 0.00001; gnomAD exomes 0.00001 and 0.00002; gnomAD 0.00002; ExAC 0.00003.

Submissions (4):

Labcorp Genetics (formerly Invitae), Labcorp
Classification: Uncertain significance for Brugada syndrome 5. Last evaluated: 2024-04-16. Review status: criteria provided, single submitter. Criteria: Invitae Variant Classification Sherloc (09022015). Collection method: clinical testing. Allele origin: germline.
Comment: The SCN1B gene has multiple clinically relevant transcripts. This variant occurs in alternate transcript NM_001037.5, and corresponds to NM_199037.3:c.*5582G>A in the primary transcript. This sequence change affects codon 212 of the SCN1B mRNA. It is a 'silent' change, meaning that it does not change the encoded amino acid sequence of the SCN1B protein. This variant is present in population databases (rs763715229, gnomAD 0.01%). This variant has not been reported in the literature in individuals affected with SCN1B-related conditions. Experimental studies and prediction algorithms are not available or were not evaluated, and the effect of this variant on mRNA splicing is currently unknown. In summary, the available evidence is currently insufficient to determine the role of this variant in disease. Therefore, it has been classified as a Variant of Uncertain Significance.

Ambry Genetics
Classification: Likely benign for Cardiovascular phenotype. Last evaluated: 2023-03-07. Review status: criteria provided, single submitter. Criteria: Ambry Variant Classification Scheme 2023. Collection method: clinical testing. Allele origin: germline.

Illumina Laboratory Services, Illumina
Classification: Uncertain significance for Generalized epilepsy with febrile seizures plus, type 1. Last evaluated: 2018-01-13. Review status: criteria provided, single submitter. Criteria: ICSL Variant Classification Criteria 13 December 2019. Collection method: clinical testing. Allele origin: germline.

Illumina Laboratory Services, Illumina
Classification: Benign for Brugada syndrome 5. Last evaluated: 2018-01-13. Review status: criteria provided, single submitter. Criteria: ICSL Variant Classification Criteria 13 December 2019. Collection method: clinical testing. Allele origin: germline.
Comment: This variant was observed in the ICSL laboratory as part of a predisposition screen in an ostensibly healthy population. It had not been previously curated by ICSL or reported in the Human Gene Mutation Database (HGMD: prior to June 1st, 2018), and was therefore a candidate for classification through an automated scoring system. Utilizing variant allele frequency, disease prevalence and penetrance estimates, and inheritance mode, an automated score was calculated to assess if this variant is too frequent to cause the disease. Based on the score and internal cut-off values, a variant classified as benign is not then subjected to further curation. The score for this variant resulted in a classification of benign for this disease.

NM_001037.5(SCN1B):c.636G>A (p.Thr212=)

Gene: SCN1B (sodium voltage-gated channel beta subunit 1; plus strand). Cytogenetic location: 19q13.11.
Variant type: single nucleotide variant.
Coding change: c.636G>A on transcript NM_001037.5 (MANE Select); coding-DNA position 636, G replaced by A.
Protein change: p.Thr212=; no amino-acid change (threonine 212 retained).
Molecular consequence: synonymous variant.
Genome position (GRCh38, 1-based): chr19:35,039,680, G>A. VCF-style: chr19-35039680-G-A. GRCh37 (hg19) VCF-style: chr19-35530584-G-A.
Other names: c.537G>A, p.Thr179= (NM_001321605.2).
Identifiers: ClinVar variation 890000 (VCV000890000.9), dbSNP rs763715229, ClinGen allele CA9372124.